The following is an entry in ClinVar:

ClinVar aggregate classification (germline): Benign/Likely benign. Review status: criteria provided, multiple submitters, no conflicts (2 of 4 stars). 14 submissions from 14 submitters: Benign (6); Likely benign (7). 1 of the submissions does not count toward it. Last evaluated 2025-12-22.

Conditions:
Hereditary cancer-predisposing syndrome. Also called: Neoplastic Syndromes, Hereditary; Tumor predisposition; Hereditary Cancer Syndrome; Hereditary neoplastic syndrome. Identifiers: Orphanet 140162, MedGen C0027672, MeSH D009386, MONDO:0015356.
Lynch syndrome. Identifiers: Orphanet 144, MedGen C4552100, MONDO:0005835. Disease mechanism: loss of function.
Lynch syndrome 5 (LYNCH5). Also called: Colorectal cancer, hereditary nonpolyposis, type 5; Hereditary non-polyposis colorectal cancer, type 5. Identifiers: Orphanet 144, MedGen C1833477, MONDO:0013710, OMIM 614350. Disease mechanism: loss of function.
Hereditary nonpolyposis colorectal neoplasms. Identifiers: MedGen C0009405, MeSH D003123.

Allele frequency attached by ClinVar (database versions not stated): gnomAD below 0.00001 and 0.00003; gnomAD exomes 0.00011 and 0.00020; ExAC 0.00019; 1000 Genomes Project 0.00020; 1000 Genomes Project 30x 0.00031.
gnomAD v4.1: 171 of 1,614,248 alleles (0.011%); highest among the groups gnomAD compares: South Asian, 0.18%; 2 homozygotes.

Submissions (14):

Labcorp Genetics (formerly Invitae), Labcorp
Classification: Benign for Hereditary nonpolyposis colorectal neoplasms. Last evaluated: 2025-12-22. Review status: criteria provided, single submitter. Criteria: Invitae Variant Classification Sherloc (09022015). Collection method: clinical testing. Allele origin: germline.

Center for Genomic Medicine, Rigshospitalet, Copenhagen University Hospital
Classification: Likely benign. Last evaluated: 2025-03-04. Review status: criteria provided, single submitter. Criteria: ACMG Guidelines, 2015. Collection method: clinical testing. Allele origin: germline.

KCCC/NGS Laboratory, Kuwait Cancer Control Center
Classification: Benign for Lynch syndrome 5. Last evaluated: 2025-02-01. Review status: criteria provided, single submitter. Criteria: ACMG Guidelines, 2015. Collection method: clinical testing. Allele origin: germline. Affected: no.

Myriad Genetics, Inc.
Classification: Benign for Lynch syndrome 5. Last evaluated: 2025-01-06. Review status: criteria provided, single submitter. Criteria: Myriad Autosomal Dominant, Autosomal Recessive and X-Linked Classification Criteria (2023). Collection method: clinical testing. Allele origin: unknown.
Comment: This variant is considered benign. This variant is a silent/synonymous amino acid change and it is not expected to impact splicing.

Blueprint Genetics
Classification: Likely benign. Last evaluated: 2024-10-15. Review status: criteria provided, single submitter. Criteria: ACMG Guidelines, 2015. Collection method: clinical testing. Allele origin: germline.

All of Us Research Program, National Institutes of Health
Classification: Likely benign for Lynch syndrome. Last evaluated: 2024-09-13. Review status: criteria provided, single submitter. Criteria: ACMG Guidelines, 2015. Collection method: clinical testing. Allele origin: germline. Inheritance: Autosomal dominant inheritance. Observed: 7 variant alleles, 7 heterozygotes.
Comment: This study involves interpretation of variants in research participants for the purpose of population health screening. Participant phenotype was not available at the time of variant classification. Additional details can be found in publication PMID: 35346344, PMCID: PMC8962531

Department of Pathology and Laboratory Medicine, Sinai Health System
Classification: Likely benign for Lynch syndrome. Last evaluated: 2023-07-10. Review status: criteria provided, single submitter. Criteria: ACMG Guidelines, 2015. Collection method: clinical testing. Allele origin: germline. Affected: yes.

Quest Diagnostics Nichols Institute San Juan Capistrano
Classification: Benign. Last evaluated: 2022-10-07. Review status: criteria provided, single submitter. Criteria: Quest Diagnostics criteria. Collection method: clinical testing. Allele origin: unknown.

Women's Health and Genetics/Laboratory Corporation of America, LabCorp
Classification: Benign. Last evaluated: 2022-04-29. Review status: criteria provided, single submitter. Criteria: LabCorp Variant Classification Summary - May 2015. Collection method: clinical testing. Allele origin: germline.

Sema4
Classification: Benign for Hereditary cancer-predisposing syndrome. Last evaluated: 2020-10-12. Review status: criteria provided, single submitter. Criteria: Sema4 Curation Guidelines. Collection method: curation. Allele origin: germline.

GeneDx
Classification: Likely benign. Last evaluated: 2020-01-02. Review status: criteria provided, single submitter. Criteria: GeneDx Variant Classification Process June 2021. Collection method: clinical testing. Allele origin: germline. Affected: yes.

Color Diagnostics, LLC DBA Color Health
Classification: Likely benign for Hereditary cancer-predisposing syndrome. Last evaluated: 2016-12-16. Review status: criteria provided, single submitter. Criteria: ACMG Guidelines, 2015. Collection method: clinical testing. Allele origin: germline.

Ambry Genetics
Classification: Likely benign for Hereditary cancer-predisposing syndrome. Last evaluated: 2016-02-14. Review status: criteria provided, single submitter. Criteria: Ambry Variant Classification Scheme 2023. Collection method: clinical testing. Allele origin: germline.

Mayo Clinic Laboratories, Mayo Clinic
Classification: Likely benign. Last evaluated: 2017-10-26. Review status: no assertion criteria provided. Collection method: clinical testing. Allele origin: unknown. Not counted in ClinVar's aggregate classification.

NM_000179.3(MSH6):c.3384T>C (p.Tyr1128=)

Gene: MSH6 (mutS homolog 6; plus strand). Cytogenetic location: 2p16.3.
Variant type: single nucleotide variant.
Coding change: c.3384T>C on transcript NM_000179.3 (MANE Select); coding-DNA position 3384, T replaced by C.
Protein change: p.Tyr1128=; no amino-acid change (tyrosine 1128 retained).
Molecular consequence: synonymous variant.
Genome position (GRCh38, 1-based): chr2:47,803,631, T>C. VCF-style: chr2-47803631-T-C. GRCh37 (hg19) VCF-style: chr2-48030770-T-C.
Other names: c.2994T>C, p.Tyr998= (NM_001281492.2); c.2478T>C, p.Tyr826= (NM_001281493.2, NM_001281494.2).
Identifiers: ClinVar variation 380747 (VCV000380747.38), dbSNP rs544518097, ClinGen allele CA070750.